The following is an entry in ClinVar:

ClinVar aggregate classification (germline): Conflicting classifications of pathogenicity. Review status: criteria provided, conflicting classifications (1 of 4 stars). 5 submissions from 5 submitters: Uncertain significance (3); Benign (2). Last evaluated 2025-10-17.

Conditions:
Inborn genetic diseases. Identifiers: MedGen C0950123, MeSH D030342.
Hereditary cancer-predisposing syndrome. Also called: Neoplastic Syndromes, Hereditary; Hereditary neoplastic syndrome; Hereditary Cancer Syndrome; Tumor predisposition. Identifiers: Orphanet 140162, MedGen C0027672, MeSH D009386, MONDO:0015356.
Acute myeloid leukemia (AML). Also called: Leukemia, acute myeloid, somatic; Leukemia, acute myelogenous, somatic; Acute myeloid leukemia, adult; AML adult; Acute non-lymphocytic leukemia; Acute granulocytic leukemia. Identifiers: Orphanet 519, MedGen C0023467, MeSH D015470, MONDO:0018874, OMIM 601626, HP:0004808. Disease mechanism: Constitutively activated FLT3.

Submissions (5):

Labcorp Genetics (formerly Invitae), Labcorp
Classification: Benign for Acute myeloid leukemia. Last evaluated: 2025-10-17. Review status: criteria provided, single submitter. Criteria: Invitae Variant Classification Sherloc (09022015). Collection method: clinical testing. Allele origin: germline.

Ambry Genetics
Classification: Benign for Inborn genetic diseases. Last evaluated: 2024-03-20. Review status: criteria provided, single submitter. Criteria: Ambry Variant Classification Scheme 2023. Collection method: clinical testing. Allele origin: germline.

GeneDx
Classification: Uncertain significance. Last evaluated: 2022-12-16. Review status: criteria provided, single submitter. Criteria: GeneDx Variant Classification Process June 2021. Collection method: clinical testing. Allele origin: germline. Affected: yes.
Comment: In-frame insertion of 2 amino acids in a repetitive region with no known function; Has not been previously published as pathogenic or benign to our knowledge

St. Jude Molecular Pathology, St. Jude Children's Research Hospital
Classification: Uncertain significance for Acute myeloid leukemia. Last evaluated: 2022-10-04. Review status: criteria provided, single submitter. Criteria: St. Jude Assertion Criteria 2020. Collection method: clinical testing. Allele origin: germline.
Comment: The CEBPA c.308_313dup (p.Gly103_Gly104dup) change inserts six nucleotides at position 308-313 resulting in an in-frame duplication of two glycine residues. This variant has a maximum subpopulation frequency of 0.17% in gnomAD v2.1.1, however data at this position may not be reliable due to mean depth of coverage <30X. This variant has been reported in the literature in an individual with acute myeloid leukemia (PMID: 25468431). In summary, the evidence currently available is insufficient to determine the clinical significance of this variant. It has therefore been classified as of uncertain significance.

Sema4
Classification: Uncertain significance for Hereditary cancer-predisposing syndrome. Last evaluated: 2021-12-17. Review status: criteria provided, single submitter. Criteria: Sema4 Curation Guidelines. Collection method: curation. Allele origin: germline.
Comment: The CEBPA c.308_313dupGCGGCG (p.G103_G104dup) variant has been reported in heterozygosity in one individual with acute myeloid leukemia (PMID: 25468431). This variant was observed in 15/8802 chromosomes in the African/African American subpopulation in the large and broad cohorts of the Genome Aggregation Database (PMID: 32461654). This variant has been reported in ClinVar (Variation ID: 456680). This variant results in a duplication of 2 not conserved amino acids, without altering the integrity of reading frame. Assessment of this duplication by in silico tools and functional studies is currently not available. The overall evidence is insufficient to meet ACMG/AMP criteria for classifying it as benign or pathogenic. In summary, the clinical significance of this variant is currently uncertain.

Literature cited by the submitters: PubMed 25468431 (cited by Sema4).

NM_004364.5(CEBPA):c.296GCG[8] (p.Gly103_Gly104dup)

Gene: CEBPA (CCAAT enhancer binding protein alpha; minus strand). Cytogenetic location: 19q13.11.
Variant type: Microsatellite.
Coding change: c.296GCG[8] on transcript NM_004364.5 (MANE Select); eight copies in a row of the 3-base unit GCG starting at c.296; the reference has six copies in a row; two copies, 6 bases duplicated; also written c.308_313dup.
Protein change: p.Gly103_Gly104dup.
Molecular consequence: inframe insertion. On other transcripts: 5 prime UTR variant (1).
Genome position (GRCh38, 1-based): chr19:33,302,102-33,302,107, CGCCGC duplicated on the plus strand (GCGGCG on the coding strand, the reverse complement: CEBPA is on the minus strand); duplicating any 6 consecutive bases within chr19:33,302,102-33,302,120 gives the same sequence; the position shown is the placement nearest the transcript's 3' end. VCF-style (leftmost placement, unchanged base first): chr19-33302101-T-TCGCCGC. GRCh37 (hg19) VCF-style: chr19-33793007-T-TCGCCGC.
Other names: c.-62GCG[8] (NM_001285829.2); c.401GCG[8], p.Gly138_Gly139dup (NM_001287424.2); c.254GCG[8], p.Gly89_Gly90dup (NM_001287435.2); c.308_313dup (NM_004364.3, NM_004364.4); c.308_313dupGCGGCG (NM_004364.3).
Identifiers: ClinVar variation 456680 (VCV000456680.17), dbSNP rs780345232, ClinGen allele CA307844366.
Genomic context (GRCh38, chr19:33,302,101, plus strand): 5'-TGCGCTCCCCCGGGCATGACGGCGCCGCCGGGGCCCGCGGGCGCGCCCGGGTAGTCAAAG[T>TCGCCGC]CGCCGCCGCCGCCGCCGCCCGTGGGGCCCACGGCCGCCTTGGCCTTCTCCTGCTGCCGGC-3'